The following is an entry in ClinVar:

ClinVar aggregate classification (germline): Uncertain significance. Review status: criteria provided, multiple submitters, no conflicts (2 of 4 stars). 2 submissions from 2 submitters: Uncertain significance (2). Last evaluated 2026-01-16.

Conditions:
Hearing loss, autosomal dominant 87. Also called: Deafness, autosomal dominant 87. Identifiers: MedGen C5830342, MONDO:0859525, OMIM 620281.

Allele frequency attached by ClinVar (database versions not stated): gnomAD 0.00001; TOPMed 0.00001.
gnomAD v4.1: 9 of 1,613,034 alleles (0.00056%); highest among the groups gnomAD compares: Admixed American, 0.0017%; no homozygotes.

Submissions (2):

Dasa
Classification: Uncertain significance for Hearing loss, autosomal dominant 87. Last evaluated: 2026-01-16. Review status: criteria provided, single submitter. Criteria: DASA Assertion Criteria. Collection method: clinical testing. Allele origin: germline.
Comment: NM_001369623.2(PI4KB):c.524A>G (p.Tyr175Cys) is a missense variant that results in the substitution of tyrosine with cysteine. This variant is rare in population databases. Computational prediction algorithms are consistent with a deleterious effect. The currently available literature and clinical evidence are not sufficient to establish a definitive association between this variant and the reported condition. Therefore, this variant is classified as a variant of uncertain significance.

Ambry Genetics
Classification: Uncertain significance. Last evaluated: 2022-04-25. Review status: criteria provided, single submitter. Criteria: Ambry Variant Classification Scheme 2023. Collection method: clinical testing. Allele origin: germline.

NM_001369623.2(PI4KB):c.524A>G (p.Tyr175Cys)

Gene: PI4KB (phosphatidylinositol 4-kinase beta; minus strand). Cytogenetic location: 1q21.3.
Variant type: single nucleotide variant.
Coding change: c.524A>G on transcript NM_001369623.2 (MANE Select); coding-DNA position 524, A replaced by G.
Protein change: p.Tyr175Cys; replaces tyrosine 175 with cysteine.
Molecular consequence: missense variant. On other transcripts: intron variant (1).
Genome position (GRCh38, 1-based): chr1:151,315,958, T>C on the plus strand (A>G on the coding strand, the complement: PI4KB is on the minus strand). VCF-style: chr1-151315958-T-C. GRCh37 (hg19) VCF-style: chr1-151288434-T-C.
Other names: c.524A>G, p.Tyr175Cys (NM_001198773.3, NM_001198774.2, NM_001330721.2 and 3 more transcripts); c.560A>G, p.Tyr187Cys (NM_001369625.1, NM_001369628.1, NM_002651.4); c.-42-8157A>G (NM_001198775.3); short protein forms Y175C, Y187C.
Identifiers: ClinVar variation 2382767 (VCV002382767.4), dbSNP rs774239767, ClinGen allele CA341987093.